The following is an entry in ClinVar:

ClinVar aggregate classification (germline): Uncertain significance. Review status: criteria provided, multiple submitters, no conflicts (2 of 4 stars). 2 submissions from 2 submitters: Uncertain significance (2). Last evaluated 2022-09-22.

Conditions:
Catecholaminergic polymorphic ventricular tachycardia 1. Also called: RYR2-Related Catecholaminergic Polymorphic Ventricular Tachycardia; VENTRICULAR TACHYCARDIA, CATECHOLAMINERGIC POLYMORPHIC, 1, WITH OR WITHOUT ATRIAL DYSFUNCTION AND/OR DILATED CARDIOMYOPATHY; VENTRICULAR TACHYCARDIA, STRESS-INDUCED POLYMORPHIC 1. Identifiers: Orphanet 3286, MedGen C1631597, MONDO:0011484, OMIM 604772.

gnomAD v4.1: 1 of 1,613,870 alleles (0.000062%); highest among the groups gnomAD compares: Non-Finnish European, 0.000085%; no homozygotes.

Submissions (2):

Labcorp Genetics (formerly Invitae), Labcorp
Classification: Uncertain significance for Catecholaminergic polymorphic ventricular tachycardia 1. Last evaluated: 2022-09-22. Review status: criteria provided, single submitter. Criteria: Invitae Variant Classification Sherloc (09022015). Collection method: clinical testing. Allele origin: germline.
Comment: This sequence change replaces proline, which is neutral and non-polar, with serine, which is neutral and polar, at codon 1238 of the RYR2 protein (p.Pro1238Ser). This variant is not present in population databases (gnomAD no frequency). This variant has not been reported in the literature in individuals affected with RYR2-related conditions. Advanced modeling of protein sequence and biophysical properties (such as structural, functional, and spatial information, amino acid conservation, physicochemical variation, residue mobility, and thermodynamic stability) performed at Invitae indicates that this missense variant is expected to disrupt RYR2 protein function. In summary, the available evidence is currently insufficient to determine the role of this variant in disease. Therefore, it has been classified as a Variant of Uncertain Significance.

Revvity Omics, Revvity
Classification: Uncertain significance. Last evaluated: 2022-03-19. Review status: criteria provided, single submitter. Criteria: ACMG Guidelines, 2015. Collection method: clinical testing. Allele origin: germline.

NM_001035.3(RYR2):c.3712C>T (p.Pro1238Ser)

Gene: RYR2 (ryanodine receptor 2; plus strand). Cytogenetic location: 1q43.
Variant type: single nucleotide variant.
Coding change: c.3712C>T on transcript NM_001035.3 (MANE Select); coding-DNA position 3712, C replaced by T.
Protein change: p.Pro1238Ser; replaces proline 1238 with serine.
Molecular consequence: missense variant.
Genome position (GRCh38, 1-based): chr1:237,589,906, C>T. VCF-style: chr1-237589906-C-T. GRCh37 (hg19) VCF-style: chr1-237753206-C-T.
Other names: short protein forms P1238S.
Identifiers: ClinVar variation 1972630 (VCV001972630.8), dbSNP rs1572995959, ClinGen allele CA345396378.